The following is an entry in ClinVar:

ClinVar aggregate classification (germline): Uncertain significance (1 of 4 stars; one submission).

Conditions:
Cardiovascular phenotype. Identifiers: MedGen CN230736.

gnomAD v4.1: 5 of 1,561,982 alleles (0.00032%); highest among the groups gnomAD compares: Admixed American, 0.0019%; no homozygotes.

Submission:

Ambry Genetics
Classification: Uncertain significance for Cardiovascular phenotype. Last evaluated: 2026-07-31. Review status: criteria provided, single submitter. Criteria: Ambry Variant Classification Scheme 2023. Collection method: clinical testing. Allele origin: germline.
Comment: The p.S250N variant (also known as c.749G>A), located in coding exon 10 of the TXNRD2 gene, results from a G to A substitution at nucleotide position 749. The serine at codon 250 is replaced by asparagine, an amino acid with highly similar properties. This amino acid position is highly conserved in available vertebrate species. In addition, this alteration is predicted to be tolerated by in silico analysis. The evidence for this gene-disease relationship is limited; therefore, the clinical significance of this variant is unclear.

NM_006440.5(TXNRD2):c.749G>A (p.Ser250Asn)

Gene: TXNRD2 (thioredoxin reductase 2; minus strand). Cytogenetic location: 22q11.21.
Variant type: single nucleotide variant.
Coding change: c.749G>A on transcript NM_006440.5 (MANE Select); coding-DNA position 749, G replaced by A.
Protein change: p.Ser250Asn; replaces serine 250 with asparagine.
Molecular consequence: missense variant. On other transcripts: non-coding transcript variant (1).
Genome position (GRCh38, 1-based): chr22:19,898,064, C>T on the plus strand (G>A on the coding strand, the complement: TXNRD2 is on the minus strand). VCF-style: chr22-19898064-C-T. GRCh37 (hg19) VCF-style: chr22-19885587-C-T.
Other names: c.749G>A, p.Ser250Asn (NM_001282512.3); c.746G>A, p.Ser249Asn (NM_001352300.2); c.659G>A, p.Ser220Asn (NM_001352301.2); c.461G>A, p.Ser154Asn (NM_001352302.2); c.653G>A, p.Ser218Asn (NM_001352303.2); short protein forms S249N, S220N, S250N, S154N, S218N.
Identifiers: ClinVar variation 5031546 (VCV005031546.1).
Genomic context (GRCh38, chr22:19,898,064, plus strand): 5'-GCCACAGGGGCGGGAGCTGGGGCCTCCAGCACTACCTGGTCGAAGCCGCGGAGGGGGATG[C>T]TGCGCATCATGATGGTGGTGTCCAGCCCAATCCCGGTGAGGAAGCCAGCACACTCCAGGG-3'
Protein context (NP_006431.2, residues 240-260): IGLDTTIMMR[Ser250Asn]IPLRGFDQQM